The following is an entry in ClinVar:

ClinVar aggregate classification (germline): Uncertain significance (1 of 4 stars; one submission).

Allele frequency attached by ClinVar (database versions not stated): gnomAD exomes below 0.00001; ExAC 0.00001.
gnomAD v4.1: 1 of 1,198,861 alleles (0.000083%); highest among the groups gnomAD compares: East Asian, 0.003%; no homozygotes.

Submission:

GeneDx
Classification: Uncertain significance. Last evaluated: 2023-02-01. Review status: criteria provided, single submitter. Criteria: GeneDx Variant Classification Process June 2021. Collection method: clinical testing. Allele origin: germline. Affected: yes.
Comment: Not observed at significant frequency in large population cohorts (gnomAD); In silico analysis supports that this missense variant has a deleterious effect on protein structure/function; Has not been previously published as pathogenic or benign to our knowledge

NM_001330360.2(POLA1):c.320A>G (p.Asp107Gly)

Gene: POLA1 (DNA polymerase alpha 1, catalytic subunit; plus strand). Cytogenetic location: Xp22.11.
Variant type: single nucleotide variant.
Coding change: c.320A>G on transcript NM_001330360.2 (MANE Select); coding-DNA position 320, A replaced by G.
Protein change: p.Asp107Gly; replaces aspartic acid 107 with glycine.
Molecular consequence: missense variant. On other transcripts: non-coding transcript variant (2).
Genome position (GRCh38, 1-based): chrX:24,704,443, A>G. VCF-style: chrX-24704443-A-G. GRCh37 (hg19) VCF-style: chrX-24722560-A-G.
Other names: c.320A>G, p.Asp107Gly (NM_001378303.1); c.302A>G, p.Asp101Gly (NM_016937.4); short protein forms D101G, D107G.
Identifiers: ClinVar variation 2574710 (VCV002574710.1), dbSNP rs748506193, ClinGen allele CA10372748.